The following is an entry in ClinVar:

ClinVar aggregate classification (germline): Pathogenic (1 of 4 stars; one submission).

Conditions:
Intellectual developmental disorder, X-linked 1. Also called: Atkin Flaitz Patil Smith syndrome; Intellectual disability, X-linked 1; MENTAL RETARDATION, X-LINKED 18; MENTAL RETARDATION, X-LINKED 78. Identifiers: Orphanet 777, MedGen C2931498, MONDO:0010656, OMIM 309530.

Submission:

Labcorp Genetics (formerly Invitae), Labcorp
Classification: Pathogenic for Intellectual developmental disorder, X-linked 1. Last evaluated: 2022-02-11. Review status: criteria provided, single submitter. Criteria: Invitae Variant Classification Sherloc (09022015). Collection method: clinical testing. Allele origin: germline.
Comment: This sequence change creates a premature translational stop signal (p.Tyr1129Argfs*20) in the IQSEC2 gene. It is expected to result in an absent or disrupted protein product. Loss-of-function variants in IQSEC2 are known to be pathogenic (PMID: 21686261, 26793055, 27665735). This variant is not present in population databases (gnomAD no frequency). This variant has not been reported in the literature in individuals affected with IQSEC2-related conditions. For these reasons, this variant has been classified as Pathogenic.

Literature cited by the submitters: PubMed 21686261; PubMed 26793055; PubMed 27665735.

NM_001111125.3(IQSEC2):c.3384_3385del (p.Tyr1129fs)

Gene: IQSEC2 (IQ motif and Sec7 domain ArfGEF 2; minus strand). Cytogenetic location: Xp11.22.
Variant type: Deletion.
Coding change: c.3384_3385del on transcript NM_001111125.3 (MANE Select); coding-DNA positions 3384 to 3385, 2 bases deleted (TT; older notation c.3384_3385delTT).
Protein change: p.Tyr1129fs; shifts the reading frame from tyrosine 1129.
Molecular consequence: frameshift variant.
Genome position (GRCh38, 1-based): chrX:53,236,388-53,236,389, AA deleted on the plus strand (TT on the coding strand, the reverse complement: IQSEC2 is on the minus strand). VCF-style (leftmost placement, unchanged base first): chrX-53236387-TAA-T. GRCh37 (hg19) VCF-style: chrX-53265569-TAA-T.
Other names: c.3384_3385delTT, p.Tyr1129Argfs (NM_001410736.1); c.2769_2770del, p.Tyr924fs (NM_015075.2); short protein forms Y924fs, Y1129fs.
Identifiers: ClinVar variation 2096911 (VCV002096911.4), dbSNP rs2519689195, ClinGen allele CA2580101227.